The following is an entry in ClinVar:

NM_006269.2(RP1):c.923A>G (p.Gln308Arg)

Gene: RP1 (RP1 axonemal microtubule associated; plus strand). Cytogenetic location: 8q12.1.
Variant type: single nucleotide variant.
Coding change: c.923A>G on transcript NM_006269.2 (MANE Select); coding-DNA position 923, A replaced by G.
Protein change: p.Gln308Arg; replaces glutamine 308 with arginine.
Molecular consequence: missense variant. On other transcripts: intron variant (1).
Genome position (GRCh38, 1-based): chr8:54,624,805, A>G. VCF-style: chr8-54624805-A-G. GRCh37 (hg19) VCF-style: chr8-55537365-A-G.
Other names: c.787+2517A>G (NM_001375654.1); short protein forms Q308R.
Identifiers: ClinVar variation 3947230 (VCV003947230.2).

ClinVar aggregate classification (germline): Uncertain significance. Review status: criteria provided, multiple submitters, no conflicts (2 of 4 stars). 2 submissions from 2 submitters: Uncertain significance (2). Last evaluated 2026-07-20.

Conditions:
Inborn genetic diseases. Identifiers: MedGen C0950123, MeSH D030342.
RP1-related disorder. Also called: RP1-related condition.

gnomAD v4.1: 2 of 1,613,932 alleles (0.00012%); highest among the groups gnomAD compares: East Asian, 0.0022%; no homozygotes.

Submissions (2):

PreventionGenetics, part of Exact Sciences
Classification: Uncertain significance for RP1-related condition. Last evaluated: 2026-07-20. Review status: criteria provided, single submitter. Criteria: ACMG Guidelines, 2015. Collection method: clinical testing. Allele origin: germline.
Comment: The RP1 c.923A>G variant is predicted to result in the amino acid substitution p.Gln308Arg. To our knowledge, this variant has not been reported in the literature. This variant is absent in a large population database (gnomAD), indicating this variant is rare. At this time, the clinical significance of this variant is uncertain due to the absence of conclusive functional and genetic evidence.

Ambry Genetics
Classification: Uncertain significance for Inborn genetic diseases. Last evaluated: 2025-04-30. Review status: criteria provided, single submitter. Criteria: Ambry Variant Classification Scheme 2023. Collection method: clinical testing. Allele origin: germline.